The following is an entry in ClinVar:

ClinVar aggregate classification (germline): Uncertain significance (1 of 4 stars; one submission).

Conditions:
BBS5-related disorder. Also called: BBS5-related condition.

Submission:

PreventionGenetics, part of Exact Sciences
Classification: Uncertain significance for BBS5-related condition. Last evaluated: 2026-06-03. Review status: criteria provided, single submitter. Criteria: ACMG Guidelines, 2015. Collection method: clinical testing. Allele origin: germline.
Comment: The BBS5 c.992delT variant is predicted to result in a frameshift and premature protein termination (p.Phe331Serfs*9). To our knowledge, this variant has not been reported in the literature or in a large population database (gnomAD), indicating this variant is rare. This variant is located in the terminal exon, downstream of other documented early termination changes, calling its clinical significance into question. At this time, the clinical significance of this variant is uncertain due to the absence of conclusive functional and genetic evidence.

NM_152384.3(BBS5):c.992del (p.Phe331fs)

Gene: BBS5 (Bardet-Biedl syndrome 5; plus strand). Cytogenetic location: 2q31.1.
Variant type: Deletion.
Coding change: c.992del on transcript NM_152384.3 (MANE Select); coding-DNA position 992, one base deleted (T; older notation c.992delT).
Protein change: p.Phe331fs; shifts the reading frame from phenylalanine 331.
Molecular consequence: frameshift variant.
Genome position (GRCh38, 1-based): chr2:169,504,548, T deleted; the last of 2 consecutive T bases (chr2:169,504,547-169,504,548); deleting either gives the same sequence. VCF-style (leftmost placement, unchanged base first): chr2-169504546-AT-A. GRCh37 (hg19) VCF-style: chr2-170361056-AT-A.
Other names: short protein forms F331fs.
Identifiers: ClinVar variation 4995391 (VCV004995391.1).